The following is an entry in ClinVar:

ClinVar aggregate classification (germline): Uncertain significance (1 of 4 stars; one submission).

Conditions:
Cerebral creatine deficiency syndrome. Also called: Creatine deficiency syndromes. Identifiers: Orphanet 79172, MedGen C5244016, MONDO:0000456.

Allele frequency attached by ClinVar (database versions not stated): gnomAD exomes below 0.00001; gnomAD 0.00001; TOPMed 0.00001.
gnomAD v4.1: 2 of 1,612,076 alleles (0.00012%); highest among the groups gnomAD compares: African/African-American, 0.0027%; no homozygotes.

Submission:

Labcorp Genetics (formerly Invitae), Labcorp
Classification: Uncertain significance for Cerebral creatine deficiency syndrome. Last evaluated: 2022-07-26. Review status: criteria provided, single submitter. Criteria: Invitae Variant Classification Sherloc (09022015). Collection method: clinical testing. Allele origin: germline.
Comment: This sequence change falls in intron 3 of the GAMT gene. It does not directly change the encoded amino acid sequence of the GAMT protein. It affects a nucleotide within the consensus splice site. This variant is present in population databases (no rsID available, gnomAD 0.007%). This variant has not been reported in the literature in individuals affected with GAMT-related conditions. ClinVar contains an entry for this variant (Variation ID: 643886). Variants that disrupt the consensus splice site are a relatively common cause of aberrant splicing (PMID: 17576681, 9536098). Algorithms developed to predict the effect of sequence changes on RNA splicing suggest that this variant may disrupt the consensus splice site. In summary, the available evidence is currently insufficient to determine the role of this variant in disease. Therefore, it has been classified as a Variant of Uncertain Significance.

Literature cited by the submitters: PubMed 17576681; PubMed 9536098.

NM_000156.6(GAMT):c.391+3G>A

Gene: GAMT (guanidinoacetate N-methyltransferase; minus strand). Cytogenetic location: 19p13.3.
Variant type: single nucleotide variant.
Coding change: c.391+3G>A on transcript NM_000156.6 (MANE Select); 3 bases into the intron after coding-DNA position 391, G replaced by A.
Molecular consequence: intron variant.
Genome position (GRCh38, 1-based): chr19:1,399,521, C>T on the plus strand (G>A on the coding strand, the complement: GAMT is on the minus strand). VCF-style: chr19-1399521-C-T. GRCh37 (hg19) VCF-style: chr19-1399520-C-T.
Other names: c.391+3G>A (NM_138924.3).
Identifiers: ClinVar variation 643886 (VCV000643886.4), dbSNP rs1339573774, ClinGen allele CA631044762.